The following is an entry in ClinVar:

ClinVar aggregate classification (germline): Benign (1 of 4 stars; one submission).

Allele frequency attached by ClinVar (database versions not stated): 1000 Genomes Project 0.41653; gnomAD 0.46213 and 0.46361; 1000 Genomes Project 30x 0.42005; TOPMed 0.45658.

Submission:

GeneDx
Classification: Benign. Last evaluated: 2018-06-14. Review status: criteria provided, single submitter. Criteria: GeneDx Variant Classification (06012015). Collection method: clinical testing. Allele origin: germline. Affected: yes.
Comment: This variant is considered likely benign or benign based on one or more of the following criteria: it is a conservative change, it occurs at a poorly conserved position in the protein, it is predicted to be benign by multiple in silico algorithms, and/or has population frequency not consistent with disease.

NM_174878.2(CLRN1):c.-617C>T

Genes: CLRN1-AS1 (CLRN1 antisense RNA 1; plus strand), CLRN1 (clarin 1; minus strand). Cytogenetic location: 3q25.1.
Variant type: single nucleotide variant.
Coding change: c.-617C>T on transcript NM_174878.2; 617 bases upstream of the start codon, C replaced by T.
Genome position (GRCh38, 1-based): chr3:150,973,325, G>A on the plus strand (C>T on the coding strand, the complement: CLRN1 is on the minus strand). VCF-style: chr3-150973325-G-A. GRCh37 (hg19) VCF-style: chr3-150691112-G-A.
Identifiers: ClinVar variation 667610 (VCV000667610.3), dbSNP rs6786256, ClinGen allele CA15240141.